The following is an entry in ClinVar:

ClinVar aggregate classification (germline): Uncertain significance (1 of 4 stars; one submission).

Allele frequency attached by ClinVar (database versions not stated): gnomAD exomes below 0.00001; ExAC 0.00001; TOPMed 0.00003; gnomAD 0.00005; ESP Exome Variant Server 0.00008.
gnomAD v4.1: 9 of 1,611,860 alleles (0.00056%); highest among the groups gnomAD compares: African/African-American, 0.012%; no homozygotes.

Submission:

Labcorp Genetics (formerly Invitae), Labcorp
Classification: Uncertain significance. Last evaluated: 2022-08-19. Review status: criteria provided, single submitter. Criteria: Invitae Variant Classification Sherloc (09022015). Collection method: clinical testing. Allele origin: germline.
Comment: This sequence change replaces leucine, which is neutral and non-polar, with histidine, which is basic and polar, at codon 1148 of the CARMIL2 protein (p.Leu1148His). This variant is present in population databases (rs367864206, gnomAD 0.02%). This variant has not been reported in the literature in individuals affected with CARMIL2-related conditions. Algorithms developed to predict the effect of missense changes on protein structure and function are either unavailable or do not agree on the potential impact of this missense change (SIFT: "Deleterious"; PolyPhen-2: "Benign"; Align-GVGD: "Class C0"). In summary, the available evidence is currently insufficient to determine the role of this variant in disease. Therefore, it has been classified as a Variant of Uncertain Significance.

NM_001013838.3(CARMIL2):c.3443T>A (p.Leu1148His)

Gene: CARMIL2 (capping protein regulator and myosin 1 linker 2; plus strand). Cytogenetic location: 16q22.1.
Variant type: single nucleotide variant.
Coding change: c.3443T>A on transcript NM_001013838.3 (MANE Select); coding-DNA position 3443, T replaced by A.
Protein change: p.Leu1148His; replaces leucine 1148 with histidine.
Molecular consequence: missense variant.
Genome position (GRCh38, 1-based): chr16:67,654,553, T>A. VCF-style: chr16-67654553-T-A. GRCh37 (hg19) VCF-style: chr16-67688456-T-A.
Other names: c.3335T>A, p.Leu1112His (NM_001317026.3); short protein forms L1112H, L1148H.
Identifiers: ClinVar variation 2187133 (VCV002187133.3), dbSNP rs367864206, ClinGen allele CA8114013.
Genomic context (GRCh38, chr16:67,654,553, plus strand): 5'-GAAAAACTACATTTGGCGACCTACTGCGGCCGCCAACCCGTCCCAGCCGTGGTGAGGAGC[T>A]TGGTGGGGCTGAGGGGGACACCAGCAGCCCTGACCCTGCCGGCAGGAGCCGACCTCGCTA-3'
Protein context (NP_001013860.1, residues 1138-1158): PPTRPSRGEE[Leu1148His]GGAEGDTSSP